The following is an entry in ClinVar:

NM_022081.6(HPS4):c.*1687A>G

Gene: HPS4 (HPS4 biogenesis of lysosomal organelles complex 3 subunit 2; minus strand). Cytogenetic location: 22q12.1.
Variant type: single nucleotide variant.
Coding change: c.*1687A>G on transcript NM_022081.6 (MANE Select); 1687 bases downstream of the stop codon, A replaced by G.
Molecular consequence: 3 prime UTR variant. On other transcripts: non-coding transcript variant (8), intron variant (2).
Genome position (GRCh38, 1-based): chr22:26,451,546, T>C on the plus strand (A>G on the coding strand, the complement: HPS4 is on the minus strand). VCF-style: chr22-26451546-T-C. GRCh37 (hg19) VCF-style: chr22-26847512-T-C.
Other names: c.*1687A>G (NM_001349896.1, NM_001349898.2, NM_001349899.2 and 3 more transcripts); c.*1622A>G (NM_001349902.1, NM_001349903.2); c.1955+6313A>G (NM_001349905.1, NM_001349904.2).
Identifiers: ClinVar variation 340964 (VCV000340964.5), dbSNP rs3752588, ClinGen allele CA10653270.
Genomic context (GRCh38, chr22:26,451,546, plus strand): 5'-TTCAGGACTTTACTTTTTCTGAGTTAATCCAGGTGCATGAGACTTTTCCATATACACGGA[T>C]AGGCTTTGTACGGTTCCATTTTGGGTCAGTGGAAGAATTTTCACAACACAAATGACATTA-3'

ClinVar aggregate classification (germline): Benign (1 of 4 stars; one submission).

Conditions:
Hermansky-Pudlak syndrome 4 (HPS4). Identifiers: Orphanet 231500, Orphanet 79430, MedGen C3484357, MONDO:0013556, OMIM 614073.

Allele frequency attached by ClinVar (database versions not stated): gnomAD 0.00207; TOPMed 0.00316; 1000 Genomes Project 30x 0.00515; 1000 Genomes Project 0.00579.

Submission:

Illumina Laboratory Services, Illumina
Classification: Benign for Hermansky-Pudlak syndrome 4. Last evaluated: 2018-01-12. Review status: criteria provided, single submitter. Criteria: ICSL Variant Classification Criteria 13 December 2019. Collection method: clinical testing. Allele origin: germline.
Comment: This variant was observed in the ICSL laboratory as part of a predisposition screen in an ostensibly healthy population. It had not been previously curated by ICSL or reported in the Human Gene Mutation Database (HGMD: prior to June 1st, 2018), and was therefore a candidate for classification through an automated scoring system. Utilizing variant allele frequency, disease prevalence and penetrance estimates, and inheritance mode, an automated score was calculated to assess if this variant is too frequent to cause the disease. Based on the score and internal cut-off values, a variant classified as benign is not then subjected to further curation. The score for this variant resulted in a classification of benign for this disease.